The following is an entry in ClinVar:

ClinVar aggregate classification (germline): Uncertain significance. Review status: criteria provided, multiple submitters, no conflicts (2 of 4 stars). 3 submissions from 3 submitters: Uncertain significance (3). Last evaluated 2026-04-06.

Conditions:
Charcot-Marie-Tooth disease type 4. Also called: Charcot-Marie-Tooth disease, type IV; Charcot-Marie-Tooth, Type 4. Identifiers: Orphanet 64749, MedGen C4082197, MONDO:0018995.
SH3TC2-related disorder. Also called: SH3TC2-related condition; SH3TC2-related disorders. Identifiers: MedGen CN239303.
Inborn genetic diseases. Identifiers: MedGen C0950123, MeSH D030342.

Allele frequency attached by ClinVar (database versions not stated): gnomAD 0.00001; ExAC 0.00002; gnomAD exomes 0.00002; TOPMed 0.00002.
gnomAD v4.1: 34 of 1,614,120 alleles (0.0021%); highest among the groups gnomAD compares: Admixed American, 0.0033%; no homozygotes.

Submissions (3):

PreventionGenetics, part of Exact Sciences
Classification: Uncertain significance for SH3TC2-related condition. Last evaluated: 2026-04-06. Review status: criteria provided, single submitter. Criteria: ACMG Guidelines, 2015. Collection method: clinical testing. Allele origin: germline.
Comment: The SH3TC2 c.3308A>G variant is predicted to result in the amino acid substitution p.His1103Arg. To our knowledge, this variant has not been reported in the literature. This variant is reported in 0.0056% of alleles in individuals of Latino descent in gnomAD. At this time, the clinical significance of this variant is uncertain due to the absence of conclusive functional and genetic evidence.

Labcorp Genetics (formerly Invitae), Labcorp
Classification: Uncertain significance for Charcot-Marie-Tooth disease type 4. Last evaluated: 2022-06-28. Review status: criteria provided, single submitter. Criteria: Invitae Variant Classification Sherloc (09022015). Collection method: clinical testing. Allele origin: germline.
Comment: This sequence change replaces histidine, which is basic and polar, with arginine, which is basic and polar, at codon 1103 of the SH3TC2 protein (p.His1103Arg). This variant is present in population databases (rs780363659, gnomAD 0.006%). This variant has not been reported in the literature in individuals affected with SH3TC2-related conditions. ClinVar contains an entry for this variant (Variation ID: 1060222). Advanced modeling of protein sequence and biophysical properties (such as structural, functional, and spatial information, amino acid conservation, physicochemical variation, residue mobility, and thermodynamic stability) performed at Invitae indicates that this missense variant is not expected to disrupt SH3TC2 protein function. In summary, the available evidence is currently insufficient to determine the role of this variant in disease. Therefore, it has been classified as a Variant of Uncertain Significance.

Ambry Genetics
Classification: Uncertain significance for Inborn genetic diseases. Last evaluated: 2020-08-04. Review status: criteria provided, single submitter. Criteria: Ambry Variant Classification Scheme 2023. Collection method: clinical testing. Allele origin: germline.
Comment: The p.H1103R variant (also known as c.3308A>G), located in coding exon 14 of the SH3TC2 gene, results from an A to G substitution at nucleotide position 3308. The histidine at codon 1103 is replaced by arginine, an amino acid with highly similar properties. This amino acid position is poorly conserved in available vertebrate species. In addition, this alteration is predicted to be tolerated by in silico analysis. Since supporting evidence is limited at this time, the clinical significance of this alteration remains unclear.

NM_024577.4(SH3TC2):c.3308A>G (p.His1103Arg)

Gene: SH3TC2 (SH3 domain and tetratricopeptide repeats 2; minus strand). Cytogenetic location: 5q32.
Variant type: single nucleotide variant.
Coding change: c.3308A>G on transcript NM_024577.4 (MANE Select); coding-DNA position 3308, A replaced by G.
Protein change: p.His1103Arg; replaces histidine 1103 with arginine.
Molecular consequence: missense variant.
Genome position (GRCh38, 1-based): chr5:149,010,289, T>C on the plus strand (A>G on the coding strand, the complement: SH3TC2 is on the minus strand). VCF-style: chr5-149010289-T-C. GRCh37 (hg19) VCF-style: chr5-148389852-T-C.
Other names: short protein forms H1103R.
Identifiers: ClinVar variation 1060222 (VCV001060222.7), dbSNP rs780363659, ClinGen allele CA3498783.